The following is an entry in ClinVar:

ClinVar aggregate classification (germline): Uncertain significance (1 of 4 stars; one submission).

Conditions:
Early-infantile DEE. Also called: Early infantile epileptic encephalopathy; Ohtahara syndrome; Early infantile epileptic encephalopathy with suppression bursts. Identifiers: Orphanet 1934, MedGen C0393706, MONDO:0800491.

Allele frequency attached by ClinVar (database versions not stated): gnomAD exomes below 0.00001; gnomAD 0.00001; TOPMed 0.00002.
gnomAD v4.1: 3 of 1,613,936 alleles (0.00019%); highest among the groups gnomAD compares: African/African-American, 0.004%; no homozygotes.

Submission:

Labcorp Genetics (formerly Invitae), Labcorp
Classification: Uncertain significance for Early-infantile DEE. Last evaluated: 2025-10-29. Review status: criteria provided, single submitter. Criteria: Invitae Variant Classification Sherloc (09022015). Collection method: clinical testing. Allele origin: germline.
Comment: This sequence change replaces aspartic acid, which is acidic and polar, with asparagine, which is neutral and polar, at codon 436 of the SPTAN1 protein (p.Asp436Asn). This variant is not present in population databases (gnomAD no frequency). This variant has not been reported in the literature in individuals affected with SPTAN1-related conditions. ClinVar contains an entry for this variant (Variation ID: 1419417). Invitae Evidence Modeling of protein sequence and biophysical properties (such as structural, functional, and spatial information, amino acid conservation, physicochemical variation, residue mobility, and thermodynamic stability) has been performed for this missense variant. However, the output from this modeling did not meet the statistical confidence thresholds required to predict the impact of this variant on SPTAN1 protein function. In summary, the available evidence is currently insufficient to determine the role of this variant in disease. Therefore, it has been classified as a Variant of Uncertain Significance.

NM_001130438.3(SPTAN1):c.1306G>A (p.Asp436Asn)

Gene: SPTAN1 (spectrin alpha, non-erythrocytic 1; plus strand). Cytogenetic location: 9q34.11.
Variant type: single nucleotide variant.
Coding change: c.1306G>A on transcript NM_001130438.3 (MANE Select); coding-DNA position 1306, G replaced by A.
Protein change: p.Asp436Asn; replaces aspartic acid 436 with asparagine.
Molecular consequence: missense variant.
Genome position (GRCh38, 1-based): chr9:128,579,721, G>A. VCF-style: chr9-128579721-G-A. GRCh37 (hg19) VCF-style: chr9-131342000-G-A.
Other names: c.1306G>A, p.Asp436Asn (NM_001195532.2, NM_001363759.2, NM_001363765.2 and 5 more transcripts); c.1342G>A, p.Asp448Asn (NM_001375312.2, NM_001375318.1); short protein forms D436N, D448N.
Identifiers: ClinVar variation 1419417 (VCV001419417.7), dbSNP rs929796374, ClinGen allele CA200376462.